The following is an entry in ClinVar:

ClinVar aggregate classification (germline): Uncertain significance (1 of 4 stars; one submission).

Conditions:
Inborn genetic diseases. Identifiers: MedGen C0950123, MeSH D030342.
Intellectual developmental disorder, X-linked, syndromic, Claes-Jensen type. Also called: INTELLECTUAL DEVELOPMENTAL DISORDER, X-LINKED, SYNDROMIC 16; MENTAL RETARDATION, X-LINKED, SYNDROMIC 16; Syndromic X-linked intellectual disability Claes-Jensen type. Identifiers: Orphanet 85279, MedGen C1845243, MONDO:0010355, OMIM 300534.

Submission:

Ambry Genetics
Classification: Uncertain significance for Inborn genetic diseases. Last evaluated: 2018-03-19. Review status: criteria provided, single submitter. Criteria: Ambry exome assertion method (8-5-2015). Collection method: clinical testing. Allele origin: germline. Affected: yes. Observed: 1 variant allele.

Literature cited by the submitters: PubMed 25666439 (cited by Ambry Genetics).

NM_004187.5(KDM5C):c.269C>T (p.Ala90Val)

Gene: KDM5C (lysine demethylase 5C; minus strand). Cytogenetic location: Xp11.22.
Variant type: single nucleotide variant.
Coding change: c.269C>T on transcript NM_004187.5 (MANE Select); coding-DNA position 269, C replaced by T.
Protein change: p.Ala90Val; replaces alanine 90 with valine.
Molecular consequence: missense variant. On other transcripts: non-coding transcript variant (2), intron variant (1).
Genome position (GRCh38, 1-based): chrX:53,218,358, G>A on the plus strand (C>T on the coding strand, the complement: KDM5C is on the minus strand). VCF-style: chrX-53218358-G-A. GRCh37 (hg19) VCF-style: chrX-53247540-G-A.
Other names: c.269C>T, p.Ala90Val (NM_001282622.3, NM_001353978.3, NM_001353979.2 and 3 more transcripts); c.151-392C>T (NM_001146702.2); short protein forms A90V.
Identifiers: ClinVar variation 986232 (VCV000986232.4), dbSNP rs2073805082, ClinGen allele CA413131698.
Genomic context (GRCh38, chrX:53,218,358, plus strand): 5'-AAGATCCGCCGTTCTACATTGGGAATCTTTAAGGAGGAGCCCTGGATTTCCCAGAATTTG[G>A]CAATCTGGTCCAAGTAGTTCAGTTTCACTCTCGTCTGGGCCTGAAGAAGAAATGGCTCAA-3'
Protein context (NP_004178.2, residues 80-100): RVKLNYLDQI[Ala90Val]KFWEIQGSSL